The following is an entry in ClinVar:

NM_006440.5(TXNRD2):c.895A>C (p.Ser299Arg)

Gene: TXNRD2 (thioredoxin reductase 2; minus strand). Cytogenetic location: 22q11.21.
Variant type: single nucleotide variant.
Coding change: c.895A>C on transcript NM_006440.5 (MANE Select); coding-DNA position 895, A replaced by C.
Protein change: p.Ser299Arg; replaces serine 299 with arginine.
Molecular consequence: missense variant. On other transcripts: non-coding transcript variant (1).
Genome position (GRCh38, 1-based): chr22:19,895,461, T>G on the plus strand (A>C on the coding strand, the complement: TXNRD2 is on the minus strand). VCF-style: chr22-19895461-T-G. GRCh37 (hg19) VCF-style: chr22-19882984-T-G.
Other names: c.895A>C, p.Ser299Arg (NM_001282512.3); c.892A>C, p.Ser298Arg (NM_001352300.2); c.805A>C, p.Ser269Arg (NM_001352301.2); c.607A>C, p.Ser203Arg (NM_001352302.2); c.799A>C, p.Ser267Arg (NM_001352303.2); short protein forms S299R, S267R, S269R, S298R, S203R.
Identifiers: ClinVar variation 263411 (VCV000263411.15), dbSNP rs5992495, ClinGen allele CA10103952.

ClinVar aggregate classification (germline): Benign. Review status: criteria provided, multiple submitters, no conflicts (2 of 4 stars). 4 submissions from 4 submitters: Benign (4). Last evaluated 2026-02-04.

Conditions:
Primary dilated cardiomyopathy (DCM). Also called: Dilated Cardiomyopathy. Identifiers: Orphanet 217604, MedGen C0007193, MeSH D002311, MONDO:0005021, HP:0001644. Inheritance: Various modes of inheritance.
Cardiovascular phenotype. Identifiers: MedGen CN230736.

Allele frequency attached by ClinVar (database versions not stated): ESP Exome Variant Server 0.27088; TOPMed 0.27479; ExAC 0.18788; 1000 Genomes Project 0.25120; 1000 Genomes Project 30x 0.26093.

Submissions (4):

Labcorp Genetics (formerly Invitae), Labcorp
Classification: Benign for Primary dilated cardiomyopathy. Last evaluated: 2026-02-04. Review status: criteria provided, single submitter. Criteria: Invitae Variant Classification Sherloc (09022015). Collection method: clinical testing. Allele origin: germline.

GeneDx
Classification: Benign. Last evaluated: 2016-09-23. Review status: criteria provided, single submitter. Criteria: GeneDx Variant Classification (06012015). Collection method: clinical testing. Allele origin: germline. Affected: yes.
Comment: This variant is considered likely benign or benign based on one or more of the following criteria: it is a conservative change, it occurs at a poorly conserved position in the protein, it is predicted to be benign by multiple in silico algorithms, and/or has population frequency not consistent with disease.

Ambry Genetics
Classification: Benign for Cardiovascular phenotype. Last evaluated: 2015-03-11. Review status: criteria provided, single submitter. Criteria: Ambry Variant Classification Scheme 2023. Collection method: clinical testing. Allele origin: germline.

Breakthrough Genomics
Classification: Benign. Review status: criteria provided, single submitter. Criteria: ACMG Guidelines, 2015. Collection method: not provided. Allele origin: germline. Inheritance: Autosomal recessive inheritance. Affected: yes.